The following is an entry in ClinVar:

NM_006908.5(RAC1):c.454G>A (p.Val152Ile)

Gene: RAC1 (Rac family small GTPase 1; plus strand). Cytogenetic location: 7p22.1.
Variant type: single nucleotide variant.
Coding change: c.454G>A on transcript NM_006908.5 (MANE Select); coding-DNA position 454, G replaced by A.
Protein change: p.Val152Ile; replaces valine 152 with isoleucine.
Molecular consequence: missense variant.
Genome position (GRCh38, 1-based): chr7:6,402,321, G>A. VCF-style: chr7-6402321-G-A. GRCh37 (hg19) VCF-style: chr7-6441952-G-A.
Other names: c.511G>A, p.Val171Ile (NM_018890.4); short protein forms V152I, V171I.
Identifiers: ClinVar variation 3378146 (VCV003378146.1).

ClinVar aggregate classification (germline): Uncertain significance (1 of 4 stars; one submission).

gnomAD v4.1: 1 of 1,607,856 alleles (0.000062%); highest among the groups gnomAD compares: Non-Finnish European, 0.000085%; no homozygotes.

Submission:

GeneDx
Classification: Uncertain significance. Last evaluated: 2024-05-07. Review status: criteria provided, single submitter. Criteria: GeneDx Variant Classification Process June 2021. Collection method: clinical testing. Allele origin: germline. Affected: yes.
Comment: Not observed at significant frequency in large population cohorts (gnomAD); In silico analysis indicates that this missense variant does not alter protein structure/function; Has not been previously published as pathogenic or benign to our knowledge